The following is an entry in ClinVar:

NM_024105.4(ALG12):c.698_699del (p.Arg233fs)

Gene: ALG12 (ALG12 alpha-1,6-mannosyltransferase; minus strand). Cytogenetic location: 22q13.33.
Variant type: Deletion.
Coding change: c.698_699del on transcript NM_024105.4 (MANE Select); coding-DNA positions 698 to 699, 2 bases deleted (GG; older notation c.698_699delGG).
Protein change: p.Arg233fs; shifts the reading frame from arginine 233.
Molecular consequence: frameshift variant.
Genome position (GRCh38, 1-based): chr22:49,909,313-49,909,314, CC deleted on the plus strand (GG on the coding strand, the reverse complement: ALG12 is on the minus strand). VCF-style (leftmost placement, unchanged base first): chr22-49909312-GCC-G. GRCh37 (hg19) VCF-style: chr22-50302960-GCC-G.
Other names: short protein forms R233fs.
Identifiers: ClinVar variation 2697267 (VCV002697267.3), dbSNP rs2519266617, ClinGen allele CA2697552830.

ClinVar aggregate classification (germline): Pathogenic (1 of 4 stars; one submission).

Conditions:
ALG12-congenital disorder of glycosylation (CDG1G). Also called: Congenital disorder of glycosylation, type Ig; CDG Ig; ALG12-CDG. Identifiers: Orphanet 79324, MedGen C2931001, MONDO:0011783, OMIM 607143.

Submission:

Labcorp Genetics (formerly Invitae), Labcorp
Classification: Pathogenic for ALG12-congenital disorder of glycosylation. Last evaluated: 2024-05-06. Review status: criteria provided, single submitter. Criteria: Invitae Variant Classification Sherloc (09022015). Collection method: clinical testing. Allele origin: germline.
Comment: This sequence change creates a premature translational stop signal (p.Arg233Profs*101) in the ALG12 gene. It is expected to result in an absent or disrupted protein product. Loss-of-function variants in ALG12 are known to be pathogenic (PMID: 15639192, 31481313). This variant is not present in population databases (gnomAD no frequency). This variant has not been reported in the literature in individuals affected with ALG12-related conditions. For these reasons, this variant has been classified as Pathogenic.

Literature cited by the submitters: PubMed 15639192; PubMed 31481313.